The following is an entry in ClinVar:

NM_006623.4(PHGDH):c.780delinsTATAAGAGACA (p.Val261fs)

Gene: PHGDH (phosphoglycerate dehydrogenase; plus strand). Cytogenetic location: 1p12.
Variant type: Indel.
Coding change: c.780delinsTATAAGAGACA on transcript NM_006623.4 (MANE Select); coding-DNA position 780, C replaced by TATAAGAGACA.
Protein change: p.Val261fs; shifts the reading frame from valine 261.
Molecular consequence: frameshift variant.
Genome position (GRCh38, 1-based): chr1:119,735,431, C replaced by TATAAGAGACA. VCF-style: chr1-119735431-C-TATAAGAGACA. GRCh37 (hg19) VCF-style: chr1-120278054-C-TATAAGAGACA.
Other names: short protein forms V261fs.
Identifiers: ClinVar variation 5010515 (VCV005010515.1).

ClinVar aggregate classification (germline): Pathogenic (1 of 4 stars; one submission).

Conditions:
Neurometabolic disorder due to serine deficiency. Identifiers: Orphanet 35705, MedGen C5680148, MONDO:0018162.

Submission:

Myriad Genetics, Inc.
Classification: Pathogenic for Neurometabolic disorder due to serine deficiency. Last evaluated: 2024-05-14. Review status: criteria provided, single submitter. Criteria: Myriad Autosomal Dominant, Autosomal Recessive and X-Linked Classification Criteria (2023). Collection method: clinical testing. Allele origin: unknown.
Comment: NM_006623.3(PHGDH):c.780del1ins11(V261Ifs*19) is expected to be pathogenic in the context of serine deficiency disorder, PHGDH-related. This variant is predicted to lead to an abnormal or absent protein product due to the creation of a premature termination codon in PHGDH, a gene where loss-of-function variants are known to be pathogenic. Please note: this variant was assessed in the context of healthy population screening.